The following is an entry in ClinVar:

ClinVar aggregate classification (germline): Uncertain significance (1 of 4 stars; one submission).

Submission:

Labcorp Genetics (formerly Invitae), Labcorp
Classification: Uncertain significance. Last evaluated: 2022-07-03. Review status: criteria provided, single submitter. Criteria: Invitae Variant Classification Sherloc (09022015). Collection method: clinical testing. Allele origin: germline.
Comment: In summary, the available evidence is currently insufficient to determine the role of this variant in disease. Therefore, it has been classified as a Variant of Uncertain Significance. Algorithms developed to predict the effect of missense changes on protein structure and function are either unavailable or do not agree on the potential impact of this missense change (SIFT: "Not Available"; PolyPhen-2: "Benign"; Align-GVGD: "Not Available"). This variant has not been reported in the literature in individuals affected with UNC45A-related conditions. This variant is not present in population databases (gnomAD no frequency). This sequence change replaces threonine, which is neutral and polar, with serine, which is neutral and polar, at codon 15 of the UNC45A protein (p.Thr15Ser).

NM_018671.5(UNC45A):c.44C>G (p.Thr15Ser)

Genes: UNC45A (unc-45 myosin chaperone A; plus strand), LOC130057954 (ATAC-STARR-seq lymphoblastoid silent region 6833; plus strand). Cytogenetic location: 15q26.1.
Variant type: single nucleotide variant.
Coding change: c.44C>G on transcript NM_018671.5 (MANE Select); coding-DNA position 44, C replaced by G.
Protein change: p.Thr15Ser; replaces threonine 15 with serine.
Molecular consequence: missense variant. On other transcripts: 5 prime UTR variant (1), intron variant (2).
Genome position (GRCh38, 1-based): chr15:90,935,368, C>G. VCF-style: chr15-90935368-C-G. GRCh37 (hg19) VCF-style: chr15-91478598-C-G.
Other names: c.44C>G, p.Thr15Ser (NM_001323619.1); c.-540C>G (NM_001323620.2); c.6+38C>G (NM_001039675.2, NM_001323621.2); short protein forms T15S.
Identifiers: ClinVar variation 1913074 (VCV001913074.5), dbSNP rs370654049, ClinGen allele CA393889751.